The following is an entry in ClinVar:

ClinVar aggregate classification (germline): Uncertain significance (1 of 4 stars; one submission).

Conditions:
Hypertrophic cardiomyopathy. Also called: HYPERTROPHIC MYOCARDIOPATHY. Identifiers: Orphanet 217569, MedGen C0007194, MeSH D002312, MONDO:0005045, HP:0001639.

Allele frequency attached by ClinVar (database versions not stated): gnomAD exomes below 0.00001.

Submission:

Labcorp Genetics (formerly Invitae), Labcorp
Classification: Uncertain significance for Hypertrophic cardiomyopathy. Last evaluated: 2021-10-22. Review status: criteria provided, single submitter. Criteria: Invitae Variant Classification Sherloc (09022015). Collection method: clinical testing. Allele origin: germline.
Comment: In summary, the available evidence is currently insufficient to determine the role of this variant in disease. Therefore, it has been classified as a Variant of Uncertain Significance. This variant has not been reported in the literature in individuals affected with TNNI3-related conditions. This variant is present in population databases (no rsID available, gnomAD 0.0009%). This sequence change affects the initiator methionine of the TNNI3 mRNA. The next in-frame methionine is located at codon 154.

NM_000363.5(TNNI3):c.3G>A (p.Met1Ile)

Gene: TNNI3 (troponin I3, cardiac type; minus strand). Cytogenetic location: 19q13.42.
Variant type: single nucleotide variant.
Coding change: c.3G>A on transcript NM_000363.5 (MANE Select); coding-DNA position 3, G replaced by A.
Protein change: p.Met1Ile; changes the start codon (methionine 1).
Molecular consequence: missense variant, initiator codon variant.
Genome position (GRCh38, 1-based): chr19:55,157,587, C>T on the plus strand (G>A on the coding strand, the complement: TNNI3 is on the minus strand). VCF-style: chr19-55157587-C-T. GRCh37 (hg19) VCF-style: chr19-55668955-C-T.
Other names: short protein forms M1I.
Identifiers: ClinVar variation 1416175 (VCV001416175.6), dbSNP rs1489475656, ClinGen allele CA407443564.